The following is an entry in ClinVar:

NM_017849.4(TMEM127):c.152C>G (p.Pro51Arg)

Gene: TMEM127 (transmembrane protein 127; minus strand). Cytogenetic location: 2q11.2.
Variant type: single nucleotide variant.
Coding change: c.152C>G on transcript NM_017849.4 (MANE Select); coding-DNA position 152, C replaced by G.
Protein change: p.Pro51Arg; replaces proline 51 with arginine.
Molecular consequence: missense variant.
Genome position (GRCh38, 1-based): chr2:96,265,230, G>C on the plus strand (C>G on the coding strand, the complement: TMEM127 is on the minus strand). VCF-style: chr2-96265230-G-C. GRCh37 (hg19) VCF-style: chr2-96930968-G-C.
Other names: c.152C>G, p.Pro51Arg (NM_001193304.3); short protein forms P51R.
Identifiers: ClinVar variation 1463044 (VCV001463044.10), dbSNP rs1573977765, ClinGen allele CA347656011.

ClinVar aggregate classification (germline): Uncertain significance. Review status: criteria provided, multiple submitters, no conflicts (2 of 4 stars). 2 submissions from 2 submitters: Uncertain significance (2). Last evaluated 2021-12-01.

Conditions:
Hereditary cancer-predisposing syndrome. Also called: Tumor predisposition; Hereditary Cancer Syndrome; Hereditary neoplastic syndrome; Neoplastic Syndromes, Hereditary. Identifiers: Orphanet 140162, MedGen C0027672, MeSH D009386, MONDO:0015356.
Hereditary pheochromocytoma and paraganglioma. Also called: Hereditary paragangliomas and pheochromocytomas; Hereditary Paraganglioma-Pheochromocytoma Syndromes; Hereditary pheochromocytoma-paraganglioma. Identifiers: Orphanet 29072, MedGen C4274332, MONDO:0017366.

Submissions (2):

Ambry Genetics
Classification: Uncertain significance for Hereditary cancer-predisposing syndrome. Last evaluated: 2021-12-01. Review status: criteria provided, single submitter. Criteria: Ambry Variant Classification Scheme 2023. Collection method: clinical testing. Allele origin: germline.
Comment: The p.P51R variant (also known as c.152C>G), located in coding exon 1 of the TMEM127 gene, results from a C to G substitution at nucleotide position 152. The proline at codon 51 is replaced by arginine, an amino acid with dissimilar properties. This amino acid position is highly conserved in available vertebrate species. In addition, this alteration is predicted to be deleterious by in silico analysis. Since supporting evidence is limited at this time, the clinical significance of this alteration remains unclear.

Labcorp Genetics (formerly Invitae), Labcorp
Classification: Uncertain significance for Hereditary pheochromocytoma and paraganglioma. Last evaluated: 2021-02-04. Review status: criteria provided, single submitter. Criteria: Invitae Variant Classification Sherloc (09022015). Collection method: clinical testing. Allele origin: germline.
Comment: This sequence change replaces proline with arginine at codon 51 of the TMEM127 protein (p.Pro51Arg). The proline residue is highly conserved and there is a moderate physicochemical difference between proline and arginine. This variant is not present in population databases (ExAC no frequency). This variant has not been reported in the literature in individuals with TMEM127-related conditions. Algorithms developed to predict the effect of missense changes on protein structure and function are either unavailable or do not agree on the potential impact of this missense change (SIFT: "Deleterious"; PolyPhen-2: "Benign"; Align-GVGD: "Class C0"). In summary, the available evidence is currently insufficient to determine the role of this variant in disease. Therefore, it has been classified as a Variant of Uncertain Significance.